The following is an entry in ClinVar:

ClinVar aggregate classification (germline): Uncertain significance (1 of 4 stars; one submission).

Conditions:
Hereditary cancer-predisposing syndrome. Also called: Tumor predisposition; Neoplastic Syndromes, Hereditary; Hereditary Cancer Syndrome; Hereditary neoplastic syndrome. Identifiers: Orphanet 140162, MedGen C0027672, MeSH D009386, MONDO:0015356.

Submission:

Ambry Genetics
Classification: Uncertain significance for Hereditary cancer-predisposing syndrome. Last evaluated: 2024-11-01. Review status: criteria provided, single submitter. Criteria: Ambry Variant Classification Scheme 2023. Collection method: clinical testing. Allele origin: germline.
Comment: The p.D1162A variant (also known as c.3485A>C), located in coding exon 9 of the BRCA1 gene, results from an A to C substitution at nucleotide position 3485. The aspartic acid at codon 1162 is replaced by alanine, an amino acid with dissimilar properties. This amino acid position is conserved. In addition, the in silico prediction for this alteration is inconclusive. Based on the available evidence, the clinical significance of this variant remains unclear.

NM_007294.4(BRCA1):c.3485A>C (p.Asp1162Ala)

Genes: BRCA1 (BRCA1 DNA repair associated; minus strand), LOC126862571 (BRD4-independent group 4 enhancer GRCh37_chr17:41243136-41244335; plus strand). Cytogenetic location: 17q21.31.
Variant type: single nucleotide variant.
Coding change: c.3485A>C on transcript NM_007294.4 (MANE Select); coding-DNA position 3485, A replaced by C.
Protein change: p.Asp1162Ala; replaces aspartic acid 1162 with alanine.
Molecular consequence: missense variant. On other transcripts: intron variant (135).
Genome position (GRCh38, 1-based): chr17:43,092,046, T>G on the plus strand (A>C on the coding strand, the complement: BRCA1 is on the minus strand). VCF-style: chr17-43092046-T-G. GRCh37 (hg19) VCF-style: chr17-41244063-T-G.
Other names: c.3275A>C, p.Asp1092Ala (NM_001407882.1, NM_001407884.1, NM_001407885.1 and 13 more transcripts); c.3272A>C, p.Asp1091Ala (NM_001407894.1, NM_001407897.1, NM_001407895.1 and 9 more transcripts); c.3362A>C, p.Asp1121Ala (NM_001407919.1, NM_001407937.1, NM_001407938.1 and 19 more transcripts); c.3221A>C, p.Asp1074Ala (NM_001407920.1, NM_001407921.1, NM_001407922.1 and 9 more transcripts); c.3218A>C, p.Asp1073Ala (NM_001407930.1, NM_001407931.1, NM_001407932.1 and 2 more transcripts); c.3359A>C, p.Asp1120Ala (NM_001407940.1, NM_001407941.1, NM_001407649.1 and 11 more transcripts); c.3344A>C, p.Asp1115Ala (NM_001407942.1, NM_001407944.1, NM_001407945.1 and 29 more transcripts); c.3341A>C, p.Asp1114Ala (NM_001407943.1, NM_001407964.1, NM_001407740.1 and 20 more transcripts); and 41 more; short protein forms D1050A, D1091A, D1115A, D1120A, D1073A, D1094A, D1159A, D1035A.
Identifiers: ClinVar variation 3481889 (VCV003481889.1).